The following is an entry in ClinVar:

NM_001267550.2(TTN):c.85151G>A (p.Arg28384Gln)

Genes: TTN (titin; minus strand), TTN-AS1 (TTN antisense RNA 1; plus strand). Cytogenetic location: 2q31.2.
Variant type: single nucleotide variant.
Coding change: c.85151G>A on transcript NM_001267550.2 (MANE Select); coding-DNA position 85151, G replaced by A.
Protein change: p.Arg28384Gln; replaces arginine 28384 with glutamine.
Molecular consequence: missense variant.
Genome position (GRCh38, 1-based): chr2:178,560,981, C>T on the plus strand (G>A on the coding strand, the complement: TTN is on the minus strand). VCF-style: chr2-178560981-C-T. GRCh37 (hg19) VCF-style: chr2-179425708-C-T.
Other names: c.80228G>A, p.Arg26743Gln (NM_001256850.1); c.57956G>A, p.Arg19319Gln (NM_003319.4); c.77447G>A, p.Arg25816Gln (NM_133378.4); c.58331G>A, p.Arg19444Gln (NM_133432.3); c.58532G>A, p.Arg19511Gln (NM_133437.4); short protein forms R19319Q, R19444Q, R19511Q, R25816Q, R26743Q, R28384Q.
Identifiers: ClinVar variation 2684097 (VCV002684097.1), dbSNP rs1465916943, ClinGen allele CA349555430.

ClinVar aggregate classification (germline): Uncertain significance (1 of 4 stars; one submission).

Allele frequency attached by ClinVar (database versions not stated): gnomAD 0.00001; gnomAD exomes 0.00001; TOPMed 0.00002.

Submission:

Athena Diagnostics
Classification: Uncertain significance. Last evaluated: 2023-08-24. Review status: criteria provided, single submitter. Criteria: Athena Diagnostics Criteria. Collection method: clinical testing. Allele origin: unknown.
Comment: Available data are insufficient to determine the clinical significance of the variant at this time. The frequency of this variant in the general population is uninformative in assessment of its pathogenicity. Computational tools disagree on the variant's effect on normal protein function.